The following is an entry in ClinVar:

ClinVar aggregate classification (germline): Likely benign. Review status: criteria provided, multiple submitters, no conflicts (2 of 4 stars). 3 submissions from 3 submitters: Likely benign (2). 1 of the submissions does not count toward it. Last evaluated 2025-09-05.

Conditions:
CFAP410-related disorder. Also called: CFAP410-related condition.

Allele frequency attached by ClinVar (database versions not stated): gnomAD exomes 0.00005 and 0.00018; gnomAD 0.00006 and 0.00007; TOPMed 0.00006; ExAC 0.00008; ESP Exome Variant Server 0.00015.

Submissions (3):

Labcorp Genetics (formerly Invitae), Labcorp
Classification: Likely benign. Last evaluated: 2025-09-05. Review status: criteria provided, single submitter. Criteria: Invitae Variant Classification Sherloc (09022015). Collection method: clinical testing. Allele origin: germline.

Blueprint Genetics
Classification: Likely benign. Last evaluated: 2023-11-06. Review status: criteria provided, single submitter. Criteria: ACMG Guidelines, 2015. Collection method: clinical testing. Allele origin: germline.

PreventionGenetics, part of Exact Sciences
Classification: Likely benign for CFAP410-related condition. Last evaluated: 2019-08-02. Review status: no assertion criteria provided. Collection method: clinical testing. Allele origin: germline. Not counted in ClinVar's aggregate classification.
Comment: This variant is classified as likely benign based on ACMG/AMP sequence variant interpretation guidelines (Richards et al. 2015 PMID: 25741868, with internal and published modifications).

NM_004928.3(CFAP410):c.729G>A (p.Leu243=)

Gene: CFAP410 (cilia and flagella associated protein 410; minus strand). Cytogenetic location: 21q22.3.
Variant type: single nucleotide variant.
Coding change: c.729G>A on transcript NM_004928.3 (MANE Select); coding-DNA position 729, G replaced by A.
Protein change: p.Leu243=; no amino-acid change (leucine 243 retained).
Molecular consequence: synonymous variant.
Genome position (GRCh38, 1-based): chr21:44,330,240, C>T on the plus strand (G>A on the coding strand, the complement: CFAP410 is on the minus strand). VCF-style: chr21-44330240-C-T. GRCh37 (hg19) VCF-style: chr21-45750123-C-T.
Other names: c.726G>A, p.Leu242= (NM_001271440.2); c.1086G>A, p.Leu362= (NM_001271441.2); c.603G>A, p.Leu201= (NM_001271442.1); c.729G>A (NM_004928.2).
Identifiers: ClinVar variation 1132920 (VCV001132920.12), dbSNP rs374549037, ClinGen allele CA10053475.
Genomic context (GRCh38, chr21:44,330,240, plus strand): 5'-GGCGTTCAGGTCCTGCGGTCACTCGGCGTGCTCCTGCACCTCTTCCCCACGCAGGGCCTG[C>T]AGCCGGCTGCCCACAGTCTGCTGCACGGCCTCCAGCCCCTCTGCATCCAGCTCCCGCAGC-3'
Protein context (NP_004919.1, residues 233-253): EAVQQTVGSR[Leu243=]QALRGEEVQE